The following is an entry in ClinVar:

NM_001372.4(DNAH9):c.6946A>G (p.Ile2316Val)

Gene: DNAH9 (dynein axonemal heavy chain 9; plus strand). Cytogenetic location: 17p12.
Variant type: single nucleotide variant.
Coding change: c.6946A>G on transcript NM_001372.4 (MANE Select); coding-DNA position 6946, A replaced by G.
Protein change: p.Ile2316Val; replaces isoleucine 2316 with valine.
Molecular consequence: missense variant.
Genome position (GRCh38, 1-based): chr17:11,757,643, A>G. VCF-style: chr17-11757643-A-G. GRCh37 (hg19) VCF-style: chr17-11660960-A-G.
Other names: short protein forms I2316V.
Identifiers: ClinVar variation 711654 (VCV000711654.12), dbSNP rs143306631, ClinGen allele CA8396473.

ClinVar aggregate classification (germline): Benign. Review status: criteria provided, multiple submitters, no conflicts (2 of 4 stars). 3 submissions from 3 submitters: Benign (2). 1 of the submissions does not count toward it. Last evaluated 2026-01-26.

Conditions:
DNAH9-related disorder. Also called: DNAH9-related condition.

Allele frequency attached by ClinVar (database versions not stated): gnomAD exomes 0.00042 and 0.00111; ExAC 0.00131; 1000 Genomes Project 30x 0.00328; 1000 Genomes Project 0.00339; gnomAD 0.00430 and 0.00471; TOPMed 0.00513; ESP Exome Variant Server 0.00538.
gnomAD v4.1: 1,291 of 1,614,074 alleles (0.08%); highest among the groups gnomAD compares: African/African-American, 1.5%; 13 homozygotes.

Submissions (3):

Labcorp Genetics (formerly Invitae), Labcorp
Classification: Benign. Last evaluated: 2026-01-26. Review status: criteria provided, single submitter. Criteria: Invitae Variant Classification Sherloc (09022015). Collection method: clinical testing. Allele origin: germline.

Breakthrough Genomics
Classification: Benign. Review status: criteria provided, single submitter. Criteria: ACMG Guidelines, 2015. Collection method: not provided. Allele origin: germline. Inheritance: Autosomal recessive inheritance. Affected: yes.

PreventionGenetics, part of Exact Sciences
Classification: Benign for DNAH9-related condition. Last evaluated: 2019-06-18. Review status: no assertion criteria provided. Collection method: clinical testing. Allele origin: germline. Not counted in ClinVar's aggregate classification.
Comment: This variant is classified as benign based on ACMG/AMP sequence variant interpretation guidelines (Richards et al. 2015 PMID: 25741868, with internal and published modifications).